The following is an entry in ClinVar:

ClinVar aggregate classification (germline): Benign/Likely benign. Review status: criteria provided, multiple submitters, no conflicts (2 of 4 stars). 2 submissions from 2 submitters: Benign (1); Likely benign (1). Last evaluated 2024-09-27.

Conditions:
Familial melanoma. Also called: Hereditary melanoma; Hereditary cutaneous melanoma. Identifiers: Orphanet 618, MedGen C1512419, MONDO:0018961.
Melanoma, cutaneous malignant, susceptibility to, 3. Also called: Cutaneous malignant melanoma 3. Identifiers: Orphanet 618, MedGen C1836892, MONDO:0012183, OMIM 609048.

Submissions (2):

Myriad Genetics, Inc.
Classification: Benign for Melanoma, cutaneous malignant, susceptibility to, 3. Last evaluated: 2024-09-27. Review status: criteria provided, single submitter. Criteria: Myriad Autosomal Dominant, Autosomal Recessive and X-Linked Classification Criteria (2023). Collection method: clinical testing. Allele origin: unknown.
Comment: This variant is considered benign. This variant is a silent/synonymous amino acid change and it is not expected to impact splicing.

Labcorp Genetics (formerly Invitae), Labcorp
Classification: Likely benign for Familial melanoma. Last evaluated: 2020-01-13. Review status: criteria provided, single submitter. Criteria: Invitae Variant Classification Sherloc (09022015). Collection method: clinical testing. Allele origin: germline.

NM_000075.4(CDK4):c.906G>C (p.Pro302=)

Genes: CDK4 (cyclin dependent kinase 4; minus strand), TSPAN31 (tetraspanin 31; plus strand). Cytogenetic location: 12q14.1.
Variant type: single nucleotide variant.
Coding change: c.906G>C on transcript NM_000075.4 (MANE Select); coding-DNA position 906, G replaced by C.
Protein change: p.Pro302=; no amino-acid change (proline 302 retained).
Molecular consequence: synonymous variant. On other transcripts: 3 prime UTR variant (3).
Genome position (GRCh38, 1-based): chr12:57,748,531, C>G on the plus strand (G>C on the coding strand, the complement: CDK4 is on the minus strand). VCF-style: chr12-57748531-C-G. GRCh37 (hg19) VCF-style: chr12-58142314-C-G.
Other names: c.*1241C>G (NM_001330168.2, NM_001330169.2, NM_005981.5).
Identifiers: ClinVar variation 1091234 (VCV001091234.10), dbSNP rs375309124, ClinGen allele CA480299550.
Genomic context (GRCh38, chr12:57,748,531, plus strand): 5'-TGTCCAGAAGGGAAATGGCAGCTTTTCTTCCTTCCATGGCAGCCACTCCATTGCTCACTC[C>G]GGATTACCTTCATCCTTATGTAGATAAGAGTGCTGCAGAGCTCGAAAGGCAGAGATTCGC-3'
Protein context (NP_000066.1, residues 292-303): HSYLHKDEGN[Pro302=]E